The following is an entry in ClinVar:

NM_005876.5(SPEG):c.7241C>T (p.Ser2414Phe)

Genes: ASIC4-AS1 (ASIC4 antisense RNA 1; minus strand), SPEG (striated muscle enriched protein kinase; plus strand). Cytogenetic location: 2q35.
Variant type: single nucleotide variant.
Coding change: c.7241C>T on transcript NM_005876.5 (MANE Select); coding-DNA position 7241, C replaced by T.
Protein change: p.Ser2414Phe; replaces serine 2414 with phenylalanine.
Molecular consequence: missense variant.
Genome position (GRCh38, 1-based): chr2:219,484,704, C>T. VCF-style: chr2-219484704-C-T. GRCh37 (hg19) VCF-style: chr2-220349426-C-T.
Other names: short protein forms S2414F.
Identifiers: ClinVar variation 1412412 (VCV001412412.5), dbSNP rs1166244435, ClinGen allele CA350701485.

ClinVar aggregate classification (germline): Uncertain significance (1 of 4 stars; one submission).

Submission:

Labcorp Genetics (formerly Invitae), Labcorp
Classification: Uncertain significance. Last evaluated: 2022-09-06. Review status: criteria provided, single submitter. Criteria: Invitae Variant Classification Sherloc (09022015). Collection method: clinical testing. Allele origin: germline.
Comment: This sequence change replaces serine, which is neutral and polar, with phenylalanine, which is neutral and non-polar, at codon 2414 of the SPEG protein (p.Ser2414Phe). This variant is not present in population databases (gnomAD no frequency). This variant has not been reported in the literature in individuals affected with SPEG-related conditions. ClinVar contains an entry for this variant (Variation ID: 1412412). Algorithms developed to predict the effect of missense changes on protein structure and function are either unavailable or do not agree on the potential impact of this missense change (SIFT: "Deleterious"; PolyPhen-2: "Probably Damaging"; Align-GVGD: "Class C0"). In summary, the available evidence is currently insufficient to determine the role of this variant in disease. Therefore, it has been classified as a Variant of Uncertain Significance.